The following is an entry in ClinVar:

ClinVar aggregate classification (germline): Uncertain significance (1 of 4 stars; one submission).

Allele frequency attached by ClinVar (database versions not stated): gnomAD exomes below 0.00001; ExAC 0.00001.
gnomAD v4.1: 2 of 1,608,900 alleles (0.00012%); highest among the groups gnomAD compares: Admixed American, 0.0034%; no homozygotes.

Submission:

Labcorp Genetics (formerly Invitae), Labcorp
Classification: Uncertain significance. Last evaluated: 2023-04-17. Review status: criteria provided, single submitter. Criteria: Invitae Variant Classification Sherloc (09022015). Collection method: clinical testing. Allele origin: germline.
Comment: This sequence change replaces leucine, which is neutral and non-polar, with arginine, which is basic and polar, at codon 357 of the CUL3 protein (p.Leu357Arg). This variant is present in population databases (rs754587052, gnomAD 0.003%). This variant has not been reported in the literature in individuals affected with CUL3-related conditions. Advanced modeling of protein sequence and biophysical properties (such as structural, functional, and spatial information, amino acid conservation, physicochemical variation, residue mobility, and thermodynamic stability) performed at Invitae indicates that this missense variant is not expected to disrupt CUL3 protein function. In summary, the available evidence is currently insufficient to determine the role of this variant in disease. Therefore, it has been classified as a Variant of Uncertain Significance.

NM_003590.5(CUL3):c.1070T>G (p.Leu357Arg)

Gene: CUL3 (cullin 3; minus strand). Cytogenetic location: 2q36.2.
Variant type: single nucleotide variant.
Coding change: c.1070T>G on transcript NM_003590.5 (MANE Select); coding-DNA position 1070, T replaced by G.
Protein change: p.Leu357Arg; replaces leucine 357 with arginine.
Molecular consequence: missense variant.
Genome position (GRCh38, 1-based): chr2:224,506,092, A>C on the plus strand (T>G on the coding strand, the complement: CUL3 is on the minus strand). VCF-style: chr2-224506092-A-C. GRCh37 (hg19) VCF-style: chr2-225370809-A-C.
Other names: c.872T>G, p.Leu291Arg (NM_001257197.2); c.1088T>G, p.Leu363Arg (NM_001257198.2); short protein forms L357R, L291R, L363R.
Identifiers: ClinVar variation 2994930 (VCV002994930.3), dbSNP rs754587052, ClinGen allele CA2140044.